The following is an entry in ClinVar:

NM_003000.3(SDHB):c.590C>T (p.Pro197Leu)

Gene: SDHB (succinate dehydrogenase complex iron sulfur subunit B; minus strand). Cytogenetic location: 1p36.13.
Variant type: single nucleotide variant.
Coding change: c.590C>T on transcript NM_003000.3 (MANE Select); coding-DNA position 590, C replaced by T.
Protein change: p.Pro197Leu; replaces proline 197 with leucine.
Molecular consequence: missense variant.
Genome position (GRCh38, 1-based): chr1:17,024,025, G>A on the plus strand (C>T on the coding strand, the complement: SDHB is on the minus strand). VCF-style: chr1-17024025-G-A. GRCh37 (hg19) VCF-style: chr1-17350520-G-A.
Other names: c.536C>T, p.Pro179Leu (NM_001407361.1); short protein forms P197L, P179L.
Identifiers: ClinVar variation 1969575 (VCV001969575.5), dbSNP rs74315367, ClinGen allele CA338271122.

ClinVar aggregate classification (germline): Uncertain significance (1 of 4 stars; one submission).

Conditions:
Pheochromocytoma. Also called: MAX-Related Hereditary Paraganglioma-Pheochromocytoma Syndrome. Identifiers: Orphanet 29072, MedGen C0031511, MONDO:0008233, OMIM 171300, HP:0002666.
Gastrointestinal stromal tumor. Also called: Gastrointestinal stroma tumor; Gastrointestinal stromal tumor, somatic. Identifiers: Orphanet 44890, MedGen C0238198, MeSH D046152, MONDO:0011719, OMIM 606764, HP:0100723.
Pheochromocytoma/paraganglioma syndrome 4. Also called: CAROTID BODY TUMORS AND MULTIPLE EXTRAADRENAL PHEOCHROMOCYTOMAS; PARAGANGLIOMA, FAMILIAL MALIGNANT; PARAGANGLIOMAS, HEREDITARY EXTRAADRENAL; PHEOCHROMOCYTOMA, FAMILIAL EXTRAADRENAL; Paragangliomas 4; SDHB-Related Hereditary Paraganglioma-Pheochromocytoma Syndrome (Paragangliomas 4). Identifiers: Orphanet 29072, MedGen C1861848, MONDO:0007273, OMIM 115310.

Submission:

Labcorp Genetics (formerly Invitae), Labcorp
Classification: Uncertain significance for Gastrointestinal stromal tumor; Pheochromocytoma/paraganglioma syndrome 4; Pheochromocytoma. Last evaluated: 2022-09-21. Review status: criteria provided, single submitter. Criteria: Invitae Variant Classification Sherloc (09022015). Collection method: clinical testing. Allele origin: germline.
Comment: This variant disrupts the p.Pro197 amino acid residue in SDHB. Other variant(s) that disrupt this residue have been determined to be pathogenic (PMID: 11404820, 14974914, 18419787, 21348866, 25047027, 26556299, 27542510, 28374168). This suggests that this residue is clinically significant, and that variants that disrupt this residue are likely to be disease-causing. Advanced modeling of protein sequence and biophysical properties (such as structural, functional, and spatial information, amino acid conservation, physicochemical variation, residue mobility, and thermodynamic stability) performed at Invitae indicates that this missense variant is expected to disrupt SDHB protein function. This variant has not been reported in the literature in individuals affected with SDHB-related conditions. This variant is not present in population databases (gnomAD no frequency). This sequence change replaces proline, which is neutral and non-polar, with leucine, which is neutral and non-polar, at codon 197 of the SDHB protein (p.Pro197Leu). In summary, the available evidence is currently insufficient to determine the role of this variant in disease. Therefore, it has been classified as a Variant of Uncertain Significance.

Literature cited by the submitters: PubMed 11404820; PubMed 14974914; PubMed 18419787; PubMed 21348866; PubMed 25047027; PubMed 26556299; PubMed 27542510; PubMed 28374168.